The following is an entry in ClinVar:

ClinVar aggregate classification (germline): Conflicting classifications of pathogenicity. Review status: criteria provided, conflicting classifications (1 of 4 stars). 4 submissions from 4 submitters: Uncertain significance (3); Likely benign (1). Last evaluated 2024-09-05.

Conditions:
Donnai-Barrow syndrome. Also called: FACIOOCULOACOUSTICORENAL SYNDROME; DBS/FOAR SYNDROME. Identifiers: Orphanet 2143, MedGen C1857277, MONDO:0009104, OMIM 222448.

Allele frequency attached by ClinVar (database versions not stated): TOPMed 0.00006; gnomAD exomes 0.00011; ExAC 0.00012; 1000 Genomes Project 30x 0.00016; 1000 Genomes Project 0.00020.
gnomAD v4.1: 105 of 1,614,164 alleles (0.0065%); highest among the groups gnomAD compares: East Asian, 0.18%; no homozygotes.

Submissions (5):

Blueprint Genetics
Classification: Likely benign. Last evaluated: 2024-09-05. Review status: criteria provided, single submitter. Criteria: ACMG Guidelines, 2015. Collection method: clinical testing. Allele origin: germline.

Labcorp Genetics (formerly Invitae), Labcorp
Classification: Uncertain significance. Last evaluated: 2022-08-19. Review status: criteria provided, single submitter. Criteria: Invitae Variant Classification Sherloc (09022015). Collection method: clinical testing. Allele origin: germline.
Comment: This sequence change replaces arginine, which is basic and polar, with glutamine, which is neutral and polar, at codon 996 of the LRP2 protein (p.Arg996Gln). This variant is present in population databases (rs201115003, gnomAD 0.1%). This variant has not been reported in the literature in individuals affected with LRP2-related conditions. ClinVar contains an entry for this variant (Variation ID: 893910). Algorithms developed to predict the effect of missense changes on protein structure and function are either unavailable or do not agree on the potential impact of this missense change (SIFT: "Tolerated"; PolyPhen-2: "Probably Damaging"; Align-GVGD: "Class C0"). In summary, the available evidence is currently insufficient to determine the role of this variant in disease. Therefore, it has been classified as a Variant of Uncertain Significance.

Fulgent Genetics
Classification: Uncertain significance for Donnai-Barrow syndrome. Last evaluated: 2022-03-24. Review status: criteria provided, single submitter. Criteria: ACMG Guidelines, 2015. Collection method: clinical testing. Allele origin: unknown.

Illumina Laboratory Services, Illumina
Classification: Uncertain significance for Donnai-Barrow syndrome. Last evaluated: 2017-04-27. Review status: criteria provided, single submitter. Criteria: ICSL Variant Classification Criteria 13 December 2019. Collection method: clinical testing. Allele origin: germline.

Dr. Peter K. Rogan Lab, Western University
No classification provided (evidence only). Condition: Hepatocellular carcinoma. Review status: no classification provided. Collection method: in vitro. Allele origin: not applicable. Functional consequence: retained intron. Not counted in ClinVar's aggregate classification.

NM_004525.3(LRP2):c.2987G>A (p.Arg996Gln)

Gene: LRP2 (LDL receptor related protein 2; minus strand). Cytogenetic location: 2q31.1.
Variant type: single nucleotide variant.
Coding change: c.2987G>A on transcript NM_004525.3 (MANE Select); coding-DNA position 2987, G replaced by A.
Protein change: p.Arg996Gln; replaces arginine 996 with glutamine.
Molecular consequence: missense variant.
Genome position (GRCh38, 1-based): chr2:169,246,908, C>T on the plus strand (G>A on the coding strand, the complement: LRP2 is on the minus strand). VCF-style: chr2-169246908-C-T. GRCh37 (hg19) VCF-style: chr2-170103418-C-T.
Other names: short protein forms R996Q.
Identifiers: ClinVar variation 893910 (VCV000893910.11), dbSNP rs201115003, ClinGen allele CA1955147.
Genomic context (GRCh38, chr2:169,246,908, plus strand): 5'-TCCCCCTCGCATGTCAAGTGATTGGAAGCCAGCCTCATTCCATAAGGGCACCCACACACT[C>T]GCTGGAAATTTGGCACCGGGAAGCAGAAGTGGCTGCAGTCACCGTTAGGATGCGTGGGTT-3'
Protein context (NP_004516.2, residues 986-1006): HFCFPVPNFQ[Arg996Gln]VCGCPYGMRL